The following is an entry in ClinVar:

ClinVar aggregate classification (germline): Uncertain significance (1 of 4 stars; one submission).

gnomAD v4.1: 2 of 1,613,104 alleles (0.00012%); highest among the groups gnomAD compares: Non-Finnish European, 0.00017%; no homozygotes.

Submission:

Labcorp Genetics (formerly Invitae), Labcorp
Classification: Uncertain significance. Last evaluated: 2025-04-24. Review status: criteria provided, single submitter. Criteria: Invitae Variant Classification Sherloc (09022015). Collection method: clinical testing. Allele origin: germline.
Comment: This sequence change replaces glycine, which is neutral and non-polar, with valine, which is neutral and non-polar, at codon 499 of the TONSL protein (p.Gly499Val). The frequency data for this variant in the population databases is considered unreliable, as metrics indicate poor data quality at this position in the gnomAD database. This variant has not been reported in the literature in individuals affected with TONSL-related conditions. Invitae Evidence Modeling of protein sequence and biophysical properties (such as structural, functional, and spatial information, amino acid conservation, physicochemical variation, residue mobility, and thermodynamic stability) indicates that this missense variant is expected to disrupt TONSL protein function with a positive predictive value of 80%. In summary, the available evidence is currently insufficient to determine the role of this variant in disease. Therefore, it has been classified as a Variant of Uncertain Significance.

NM_013432.5(TONSL):c.1496G>T (p.Gly499Val)

Genes: TONSL (tonsoku like, DNA repair protein; minus strand), TONSL-AS1 (TONSL antisense RNA 1; plus strand). Cytogenetic location: 8q24.3.
Variant type: single nucleotide variant.
Coding change: c.1496G>T on transcript NM_013432.5 (MANE Select); coding-DNA position 1496, G replaced by T.
Protein change: p.Gly499Val; replaces glycine 499 with valine.
Molecular consequence: missense variant. On other transcripts: non-coding transcript variant (1).
Genome position (GRCh38, 1-based): chr8:144,438,720, C>A on the plus strand (G>T on the coding strand, the complement: TONSL is on the minus strand). VCF-style: chr8-144438720-C-A. GRCh37 (hg19) VCF-style: chr8-145664103-C-A.
Other names: short protein forms G499V.
Identifiers: ClinVar variation 4811575 (VCV004811575.1).